The following is an entry in ClinVar:

ClinVar aggregate classification (germline): Uncertain significance. Review status: criteria provided, multiple submitters, no conflicts (2 of 4 stars). 4 submissions from 4 submitters: Uncertain significance (4). Last evaluated 2025-12-01.

Conditions:
Cardiovascular phenotype. Identifiers: MedGen CN230736.
Hypertrophic cardiomyopathy. Also called: HYPERTROPHIC MYOCARDIOPATHY. Identifiers: Orphanet 217569, MedGen C0007194, MeSH D002312, MONDO:0005045, HP:0001639.

Allele frequency attached by ClinVar (database versions not stated): gnomAD 0.00001; TOPMed 0.00001.
gnomAD v4.1: 7 of 1,599,716 alleles (0.00044%); highest among the groups gnomAD compares: Non-Finnish European, 0.00051%; no homozygotes.

Submissions (4):

Labcorp Genetics (formerly Invitae), Labcorp
Classification: Uncertain significance for Hypertrophic cardiomyopathy. Last evaluated: 2025-12-01. Review status: criteria provided, single submitter. Criteria: Invitae Variant Classification Sherloc (09022015). Collection method: clinical testing. Allele origin: germline.
Comment: This sequence change replaces arginine, which is basic and polar, with leucine, which is neutral and non-polar, at codon 616 of the JPH2 protein (p.Arg616Leu). The frequency data for this variant in the population databases is considered unreliable, as metrics indicate poor data quality at this position in the gnomAD database. This variant has not been reported in the literature in individuals affected with JPH2-related conditions. ClinVar contains an entry for this variant (Variation ID: 191669). An algorithm developed to predict the effect of missense changes on protein structure and function (PolyPhen-2) suggests that this variant is likely to be tolerated. In summary, the available evidence is currently insufficient to determine the role of this variant in disease. Therefore, it has been classified as a Variant of Uncertain Significance.

GeneDx
Classification: Uncertain significance. Last evaluated: 2023-10-20. Review status: criteria provided, single submitter. Criteria: GeneDx Variant Classification Process June 2021. Collection method: clinical testing. Allele origin: germline. Affected: yes.
Comment: Observed in an individual with cardiomyopathy (Ng et al., 2013); Not observed at significant frequency in large population cohorts (gnomAD); In silico analysis supports that this missense variant does not alter protein structure/function; This variant is associated with the following publications: (PMID: 23861362)

Ambry Genetics
Classification: Uncertain significance for Cardiovascular phenotype. Last evaluated: 2021-03-23. Review status: criteria provided, single submitter. Criteria: Ambry Variant Classification Scheme 2023. Collection method: clinical testing. Allele origin: germline.
Comment: The p.R616L variant (also known as c.1847G>T), located in coding exon 4 of the JPH2 gene, results from a G to T substitution at nucleotide position 1847. The arginine at codon 616 is replaced by leucine, an amino acid with dissimilar properties. This alteration has been reported as a secondary cardiac variant in an exome cohort; however, clinical details are limited (Ng D et al. Circ Cardiovasc Genet, 2013 Aug;6:337-46). This amino acid position is poorly conserved in available vertebrate species. In addition, this alteration is predicted to be tolerated by in silico analysis. Since supporting evidence is limited at this time, the clinical significance of this alteration remains unclear.

Biesecker Lab/Clinical Genomics Section, National Institutes of Health
Classification: Uncertain significance. Last evaluated: 2013-06-24. Review status: criteria provided, single submitter. Criteria: Ng et al. (Circ Cardiovasc Genet. 2013). Collection method: research. Allele origin: unknown. Observed: 1 variant allele. Study: ClinSeq.
Comment: The study set was not selected for affection status in relation to any cancer. Pathogenicity categories were based on literature curation. See Pubmed ID:23861362 for details.

Medical sequencing

Literature cited by the submitters: PubMed 23861362 (cited by Ambry Genetics).

NM_020433.5(JPH2):c.1847G>T (p.Arg616Leu)

Gene: JPH2 (junctophilin 2; minus strand). Cytogenetic location: 20q13.12.
Variant type: single nucleotide variant.
Coding change: c.1847G>T on transcript NM_020433.5 (MANE Select); coding-DNA position 1847, G replaced by T.
Protein change: p.Arg616Leu; replaces arginine 616 with leucine.
Molecular consequence: missense variant.
Genome position (GRCh38, 1-based): chr20:44,115,828, C>A on the plus strand (G>T on the coding strand, the complement: JPH2 is on the minus strand). VCF-style: chr20-44115828-C-A. GRCh37 (hg19) VCF-style: chr20-42744468-C-A.
Other names: short protein forms R616L.
Identifiers: ClinVar variation 191669 (VCV000191669.5), dbSNP rs200081425, ClinGen allele CA237202.
Genomic context (GRCh38, chr20:44,115,828, plus strand): 5'-TTGGCCCTGGGCTCGGCTTTGGGGATGATGGGCTTGGGCTCCAGCTTGGCGGGGGTCTCG[C>A]GTGCAGGCTCGGGGCCTCGGAGCGTGGGGGCCTGCAGCGGGGCGGTGGCCGGGGACGAGG-3'
Protein context (NP_065166.2, residues 606-626): APTLRGPEPA[Arg616Leu]ETPAKLEPKP